The following is an entry in ClinVar:

NM_006158.5(NEFL):c.1558A>T (p.Thr520Ser)

Gene: NEFL (neurofilament light chain; minus strand). Cytogenetic location: 8p21.2.
Variant type: single nucleotide variant.
Coding change: c.1558A>T on transcript NM_006158.5 (MANE Select); coding-DNA position 1558, A replaced by T.
Protein change: p.Thr520Ser; replaces threonine 520 with serine.
Molecular consequence: missense variant.
Genome position (GRCh38, 1-based): chr8:24,952,884, T>A on the plus strand (A>T on the coding strand, the complement: NEFL is on the minus strand). VCF-style: chr8-24952884-T-A. GRCh37 (hg19) VCF-style: chr8-24810397-T-A.
Other names: short protein forms T520S.
Identifiers: ClinVar variation 1420782 (VCV001420782.6), dbSNP rs2117250713, ClinGen allele CA370619639.

ClinVar aggregate classification (germline): Uncertain significance (1 of 4 stars; one submission).

Conditions:
Charcot-Marie-Tooth disease type 2E (CMT2E). Also called: CHARCOT-MARIE-TOOTH NEUROPATHY, TYPE 2E; CHARCOT-MARIE-TOOTH DISEASE, AXONAL, TYPE 2E. Identifiers: Orphanet 99939, MedGen C1843225, MONDO:0011894, OMIM 607684.

Submission:

Labcorp Genetics (formerly Invitae), Labcorp
Classification: Uncertain significance for Charcot-Marie-Tooth disease type 2E. Last evaluated: 2022-06-20. Review status: criteria provided, single submitter. Criteria: Invitae Variant Classification Sherloc (09022015). Collection method: clinical testing. Allele origin: germline.
Comment: This sequence change replaces threonine with serine at codon 520 of the NEFL protein (p.Thr520Ser). The threonine residue is moderately conserved and there is a small physicochemical difference between threonine and serine. This variant is not present in population databases (gnomAD no frequency). This variant has not been reported in the literature in individuals affected with NEFL-related conditions. Experimental studies and prediction algorithms are not available or were not evaluated, and the functional significance of this variant is currently unknown. In summary, the available evidence is currently insufficient to determine the role of this variant in disease. Therefore, it has been classified as a Variant of Uncertain Significance.